The following is an entry in ClinVar:

ClinVar aggregate classification (germline): Benign/Likely benign. Review status: criteria provided, multiple submitters, no conflicts (2 of 4 stars). 5 submissions from 5 submitters: Benign (1); Likely benign (4). Last evaluated 2026-01-18.

Conditions:
Hereditary cancer-predisposing syndrome. Also called: Hereditary Cancer Syndrome; Neoplastic Syndromes, Hereditary; Tumor predisposition; Hereditary neoplastic syndrome. Identifiers: Orphanet 140162, MedGen C0027672, MeSH D009386, MONDO:0015356.
Familial cancer of breast. Also called: BREAST CANCER, FAMILIAL; Hereditary breast cancer; hereditary breast carcinoma. Identifiers: Orphanet 227535, MedGen C0346153, MONDO:0016419, OMIM 114480. Disease mechanism: loss of function.
Ataxia-telangiectasia syndrome (AT). Also called: Ataxia-telangiectasia, complementation group D; AT, COMPLEMENTATION GROUP C; ATAXIA-TELANGIECTASIA, COMPLEMENTATION GROUP A; ATAXIA-TELANGIECTASIA, FRESNO VARIANT; Ataxia-telangiectasia; LOUIS-BAR SYNDROME. Identifiers: Orphanet 100, MedGen C0004135, MONDO:0008840, OMIM 208900.

Allele frequency attached by ClinVar (database versions not stated): TOPMed below 0.00001.
gnomAD v4.1: 6 of 1,614,134 alleles (0.00037%); highest among the groups gnomAD compares: Non-Finnish European, 0.00051%; no homozygotes.

Submissions (5):

Labcorp Genetics (formerly Invitae), Labcorp
Classification: Likely benign for Ataxia-telangiectasia syndrome. Last evaluated: 2026-01-18. Review status: criteria provided, single submitter. Criteria: Invitae Variant Classification Sherloc (09022015). Collection method: clinical testing. Allele origin: germline.

Myriad Genetics, Inc.
Classification: Benign for Familial cancer of breast. Last evaluated: 2024-04-26. Review status: criteria provided, single submitter. Criteria: Myriad Autosomal Dominant, Autosomal Recessive and X-Linked Classification Criteria (2023). Collection method: clinical testing. Allele origin: unknown.
Comment: This variant is considered benign. This variant is a silent/synonymous amino acid change and it is not expected to impact splicing.

Women's Health and Genetics/Laboratory Corporation of America, LabCorp
Classification: Likely benign. Last evaluated: 2024-03-31. Review status: criteria provided, single submitter. Criteria: LabCorp Variant Classification Summary - May 2015. Collection method: clinical testing. Allele origin: germline.

Color Diagnostics, LLC DBA Color Health
Classification: Likely benign for Hereditary cancer-predisposing syndrome. Last evaluated: 2019-07-19. Review status: criteria provided, single submitter. Criteria: ACMG Guidelines, 2015. Collection method: clinical testing. Allele origin: germline.

Ambry Genetics
Classification: Likely benign for Hereditary cancer-predisposing syndrome. Last evaluated: 2014-12-03. Review status: criteria provided, single submitter. Criteria: Ambry Variant Classification Scheme 2023. Collection method: clinical testing. Allele origin: germline.

NM_000051.4(ATM):c.1359A>G (p.Pro453=)

Gene: ATM (ATM serine/threonine kinase; plus strand). Cytogenetic location: 11q22.3.
Variant type: single nucleotide variant.
Coding change: c.1359A>G on transcript NM_000051.4 (MANE Select); coding-DNA position 1359, A replaced by G.
Protein change: p.Pro453=; no amino-acid change (proline 453 retained).
Molecular consequence: synonymous variant.
Genome position (GRCh38, 1-based): chr11:108,250,824, A>G. VCF-style: chr11-108250824-A-G. GRCh37 (hg19) VCF-style: chr11-108121551-A-G.
Other names: c.1359A>G, p.Pro453= (NM_001351834.2).
Identifiers: ClinVar variation 187385 (VCV000187385.19), dbSNP rs786203693, ClinGen allele CA197515.